The following is an entry in ClinVar:

NM_001365276.2(TNXB):c.9283A>G (p.Arg3095Gly)

Gene: TNXB (tenascin XB; minus strand). Cytogenetic location: 6p21.33.
Variant type: single nucleotide variant.
Coding change: c.9283A>G on transcript NM_001365276.2 (MANE Select); coding-DNA position 9283, A replaced by G.
Protein change: p.Arg3095Gly; replaces arginine 3095 with glycine.
Molecular consequence: missense variant.
Genome position (GRCh38, 1-based): chr6:32,050,154, T>C on the plus strand (A>G on the coding strand, the complement: TNXB is on the minus strand). VCF-style: chr6-32050154-T-C. GRCh37 (hg19) VCF-style: chr6-32017931-T-C.
Other names: c.10024A>G, p.Arg3342Gly (NM_001428335.1); c.9277A>G, p.Arg3093Gly (NM_019105.8); short protein forms R3095G, R3093G, R3342G.
Identifiers: ClinVar variation 3972044 (VCV003972044.1).

ClinVar aggregate classification (germline): Uncertain significance (1 of 4 stars; one submission).

Conditions:
Cardiovascular phenotype. Identifiers: MedGen CN230736.

gnomAD v4.1: 5 of 1,613,852 alleles (0.00031%); highest among the groups gnomAD compares: Non-Finnish European, 0.00042%; no homozygotes.

Submission:

Ambry Genetics
Classification: Uncertain significance for Cardiovascular phenotype. Last evaluated: 2025-05-30. Review status: criteria provided, single submitter. Criteria: Ambry Variant Classification Scheme 2023. Collection method: clinical testing. Allele origin: germline.
Comment: The p.R3093G variant (also known as c.9277A>G), located in coding exon 26 of the TNXB gene, results from an A to G substitution at nucleotide position 9277. The arginine at codon 3093 is replaced by glycine, an amino acid with dissimilar properties. This amino acid position is conserved. In addition, this alteration is predicted to be tolerated by in silico analysis. Based on the available evidence, the clinical significance of this variant remains unclear.